The following is an entry in ClinVar:

NM_000884.3(IMPDH2):c.715G>C (p.Asp239His)

Gene: IMPDH2 (inosine monophosphate dehydrogenase 2; minus strand). Cytogenetic location: 3p21.31.
Variant type: single nucleotide variant.
Coding change: c.715G>C on transcript NM_000884.3 (MANE Select); coding-DNA position 715, G replaced by C.
Protein change: p.Asp239His; replaces aspartic acid 239 with histidine.
Molecular consequence: missense variant.
Genome position (GRCh38, 1-based): chr3:49,026,791, C>G on the plus strand (G>C on the coding strand, the complement: IMPDH2 is on the minus strand). VCF-style: chr3-49026791-C-G. GRCh37 (hg19) VCF-style: chr3-49064224-C-G.
Other names: short protein forms D239H.
Identifiers: ClinVar variation 1329842 (VCV001329842.2), dbSNP rs2106786741, ClinGen allele CA352740471.

ClinVar aggregate classification (germline): Uncertain significance (1 of 4 stars; one submission).

Submission:

GeneDx
Classification: Uncertain significance. Last evaluated: 2021-06-24. Review status: criteria provided, single submitter. Criteria: GeneDx Variant Classification Process June 2021. Collection method: clinical testing. Allele origin: germline. Affected: yes.
Comment: Not observed at significant frequency in large population cohorts (Lek et al., 2016); In silico analysis supports that this missense variant has a deleterious effect on protein structure/function; Has not been previously published as pathogenic or benign to our knowledge; This variant is associated with the following publications: (PMID: 27535533)